The following is an entry in ClinVar:

NM_015443.4(KANSL1):c.2324C>G (p.Pro775Arg)

Gene: KANSL1 (KAT8 regulatory NSL complex subunit 1). Cytogenetic location: 17q21.31.
Variant type: single nucleotide variant.
Coding change: c.2324C>G on transcript NM_015443.4 (MANE Select); coding-DNA position 2324, C replaced by G.
Protein change: p.Pro775Arg; replaces proline 775 with arginine.
Molecular consequence: missense variant.
Genome position (GRCh38, 1-based): chr17:46,039,095, G>C on the plus strand (C>G on the coding strand, the complement: KANSL1 is on the minus strand). VCF-style: chr17-46039095-G-C. GRCh37 (hg19) VCF-style: chr17-44116461-G-C.
Other names: p.P775R:CCA>CGA; c.2324C>G, p.Pro775Arg (NM_001193465.2, NM_001193466.2, NM_001379198.1); short protein forms P775R.
Identifiers: ClinVar variation 205743 (VCV000205743.1), dbSNP rs796052587, ClinGen allele CA315115.

ClinVar aggregate classification (germline): Likely benign (1 of 4 stars; one submission).

Submission:

GeneDx
Classification: Likely benign. Last evaluated: 2014-01-06. Review status: criteria provided, single submitter. Criteria: GeneDx Variant Classification (06012015). Collection method: clinical testing. Allele origin: germline. Affected: yes.
Comment: This variant is considered likely benign or benign based on one or more of the following criteria: it is a conservative change, it occurs at a poorly conserved position in the protein, it is predicted to be benign by multiple in silico algorithms, and/or has population frequency not consistent with disease.